The following is an entry in ClinVar:

NM_000170.3(GLDC):c.1896C>G (p.Tyr632Ter)

Gene: GLDC (glycine decarboxylase; minus strand). Cytogenetic location: 9p24.1.
Variant type: single nucleotide variant.
Coding change: c.1896C>G on transcript NM_000170.3 (MANE Select); coding-DNA position 1896, C replaced by G.
Protein change: p.Tyr632Ter; replaces tyrosine 632 with a stop codon.
Molecular consequence: nonsense.
Genome position (GRCh38, 1-based): chr9:6,565,384, G>C on the plus strand (C>G on the coding strand, the complement: GLDC is on the minus strand). VCF-style: chr9-6565384-G-C. GRCh37 (hg19) VCF-style: chr9-6565384-G-C.
Other names: short protein forms Y632*.
Identifiers: ClinVar variation 1457329 (VCV001457329.8), dbSNP rs1272244088, ClinGen allele CA372884449.

ClinVar aggregate classification (germline): Pathogenic (1 of 4 stars; one submission).

Conditions:
Glycine encephalopathy. Also called: Non-ketotic hyperglycinemia; Nonketotic hyperglycinemia. Identifiers: Orphanet 407, MedGen C0751748, MONDO:0011612, HP:0008288.

Submission:

Labcorp Genetics (formerly Invitae), Labcorp
Classification: Pathogenic for Glycine encephalopathy. Last evaluated: 2021-08-27. Review status: criteria provided, single submitter. Criteria: Invitae Variant Classification Sherloc (09022015). Collection method: clinical testing. Allele origin: germline.
Comment: For these reasons, this variant has been classified as Pathogenic. This variant has been observed in individual(s) with glycine encephalopathy (PMID: 27362913). This variant is not present in population databases (ExAC no frequency). This sequence change creates a premature translational stop signal (p.Tyr632*) in the GLDC gene. It is expected to result in an absent or disrupted protein product. Loss-of-function variants in GLDC are known to be pathogenic (PMID: 16601880).

Literature cited by the submitters: PubMed 27362913; PubMed 16601880.